The following is an entry in ClinVar:

ClinVar aggregate classification (germline): Likely benign. Review status: criteria provided, multiple submitters, no conflicts (2 of 4 stars). 2 submissions from 2 submitters: Likely benign (2). Last evaluated 2025-10-06.

Conditions:
ALG9 congenital disorder of glycosylation (CDG1L). Also called: CDG Il; ALG9-CDG; CONGENITAL DISORDER OF GLYCOSYLATION, TYPE Il. Identifiers: Orphanet 79328, MedGen C2931006, MONDO:0012117, OMIM 608776.
ALG9-related disorder. Also called: ALG9-related condition.

Allele frequency attached by ClinVar (database versions not stated): ExAC 0.00002; gnomAD 0.00017; 1000 Genomes Project 0.00020; TOPMed 0.00020; ESP Exome Variant Server 0.00025; 1000 Genomes Project 30x 0.00031.
gnomAD v4.1: 46 of 1,613,858 alleles (0.0029%); highest among the groups gnomAD compares: African/African-American, 0.056%; no homozygotes.

Submissions (2):

PreventionGenetics, part of Exact Sciences
Classification: Likely benign for ALG9-related condition. Last evaluated: 2025-10-06. Review status: criteria provided, single submitter. Criteria: ACMG Guidelines, 2015. Collection method: clinical testing. Allele origin: germline.
Comment: This variant is classified as likely benign based on ACMG/AMP sequence variant interpretation guidelines (Richards et al. 2015 PMID: 25741868, with internal and published modifications).

Labcorp Genetics (formerly Invitae), Labcorp
Classification: Likely benign for ALG9 congenital disorder of glycosylation. Last evaluated: 2025-06-12. Review status: criteria provided, single submitter. Criteria: Invitae Variant Classification Sherloc (09022015). Collection method: clinical testing. Allele origin: germline.

NM_024740.2(ALG9):c.1733+9C>T

Gene: ALG9 (ALG9 alpha-1,2-mannosyltransferase; minus strand). Cytogenetic location: 11q23.1.
Variant type: single nucleotide variant.
Coding change: c.1733+9C>T on transcript NM_024740.2 (MANE Select); 9 bases into the intron after coding-DNA position 1733, C replaced by T.
Molecular consequence: intron variant.
Genome position (GRCh38, 1-based): chr11:111,809,634, G>A on the plus strand (C>T on the coding strand, the complement: ALG9 is on the minus strand). VCF-style: chr11-111809634-G-A. GRCh37 (hg19) VCF-style: chr11-111680358-G-A.
Other names: c.1199+9C>T (NM_001352409.1, NM_001352410.1, NM_001352412.2 and 6 more transcripts); c.1589+9C>T (NM_001352418.1); c.1712+9C>T (NM_001352417.1, NM_001077690.1); c.1220+9C>T (NM_001352413.1, NM_001352414.2, NM_001077691.2 and 1 more transcripts); c.1124+9C>T (NM_001352422.2); c.1076+9C>T (NM_001352423.2).
Identifiers: ClinVar variation 2147839 (VCV002147839.5), dbSNP rs374642818, ClinGen allele CA6274348.